The following is an entry in ClinVar:

ClinVar aggregate classification (germline): Uncertain significance (1 of 4 stars; one submission).

Submission:

GeneDx
Classification: Uncertain significance. Last evaluated: 2025-01-16. Review status: criteria provided, single submitter. Criteria: GeneDx Variant Classification Process June 2021. Collection method: clinical testing. Allele origin: germline. Affected: yes.
Comment: Not observed at significant frequency in large population cohorts (gnomAD); In silico analysis indicates that this missense variant does not alter protein structure/function; Has not been previously published as pathogenic or benign to our knowledge

NM_014991.6(WDFY3):c.512G>A (p.Gly171Glu)

Gene: WDFY3 (WD repeat and FYVE domain containing 3; minus strand). Cytogenetic location: 4q21.23.
Variant type: single nucleotide variant.
Coding change: c.512G>A on transcript NM_014991.6 (MANE Select); coding-DNA position 512, G replaced by A.
Protein change: p.Gly171Glu; replaces glycine 171 with glutamic acid.
Molecular consequence: missense variant.
Genome position (GRCh38, 1-based): chr4:84,836,993, C>T on the plus strand (G>A on the coding strand, the complement: WDFY3 is on the minus strand). VCF-style: chr4-84836993-C-T. GRCh37 (hg19) VCF-style: chr4-85758146-C-T.
Other names: short protein forms G171E.
Identifiers: ClinVar variation 4070859 (VCV004070859.1).